The following is an entry in ClinVar:

ClinVar aggregate classification (germline): Conflicting classifications of pathogenicity. Review status: criteria provided, conflicting classifications (1 of 4 stars). 2 submissions from 2 submitters: Uncertain significance (1); Likely benign (1). Last evaluated 2025-05-28.

Conditions:
Alagille syndrome due to a JAG1 point mutation. Also called: HEPATIC DUCTULAR HYPOPLASIA, SYNDROMATIC; Alagille Syndrome 1; JAG1-Related Alagille Syndrome. Identifiers: Orphanet 261619, Orphanet 52, MedGen C1956125, MONDO:0016862, OMIM 118450.
JAG1-related disorder. Also called: JAG1-related disorders; JAG1-related condition.

Submissions (2):

PreventionGenetics, part of Exact Sciences
Classification: Uncertain significance for JAG1-related condition. Last evaluated: 2025-05-28. Review status: criteria provided, single submitter. Criteria: ACMG Guidelines, 2015. Collection method: clinical testing. Allele origin: germline.
Comment: The JAG1 c.133G>A variant is predicted to result in the amino acid substitution p.Val45Met. To our knowledge, this variant has not been reported in the literature. This variant is reported in 0.0054% of alleles in individuals of East Asian descent in gnomAD. At this time, the clinical significance of this variant is uncertain due to the absence of conclusive functional and genetic evidence.

Labcorp Genetics (formerly Invitae), Labcorp
Classification: Likely benign for Alagille syndrome due to a JAG1 point mutation. Last evaluated: 2024-02-03. Review status: criteria provided, single submitter. Criteria: Invitae Variant Classification Sherloc (09022015). Collection method: clinical testing. Allele origin: germline.

NM_000214.3(JAG1):c.133G>A (p.Val45Met)

Gene: JAG1 (jagged canonical Notch ligand 1; minus strand). Cytogenetic location: 20p12.2.
Variant type: single nucleotide variant.
Coding change: c.133G>A on transcript NM_000214.3 (MANE Select); coding-DNA position 133, G replaced by A.
Protein change: p.Val45Met; replaces valine 45 with methionine.
Molecular consequence: missense variant.
Genome position (GRCh38, 1-based): chr20:10,672,955, C>T on the plus strand (G>A on the coding strand, the complement: JAG1 is on the minus strand). VCF-style: chr20-10672955-C-T. GRCh37 (hg19) VCF-style: chr20-10653603-C-T.
Other names: c.133G>A (NM_000214.2); short protein forms V45M.
Identifiers: ClinVar variation 2892622 (VCV002892622.4), dbSNP rs183974372, ClinGen allele CA9765210.